The following is an entry in ClinVar:

ClinVar aggregate classification (germline): Uncertain significance. Review status: criteria provided, single submitter (1 of 4 stars). 2 submissions from 2 submitters: Uncertain significance (1). 1 of the submissions does not count toward it. Last evaluated 2025-11-26.

Conditions:
Inborn genetic diseases. Identifiers: MedGen C0950123, MeSH D030342.
SPEG-related disorder. Also called: SPEG-related condition.

gnomAD v4.1: 19 of 1,612,360 alleles (0.0012%); highest among the groups gnomAD compares: Middle Eastern, 0.017%; no homozygotes.

Submissions (2):

Ambry Genetics
Classification: Uncertain significance for Inborn genetic diseases. Last evaluated: 2025-11-26. Review status: criteria provided, single submitter. Criteria: Ambry Variant Classification Scheme 2023. Collection method: clinical testing. Allele origin: germline.

PreventionGenetics, part of Exact Sciences
Classification: Uncertain significance for SPEG-related condition. Last evaluated: 2024-05-28. Review status: no assertion criteria provided. Collection method: clinical testing. Allele origin: germline. Not counted in ClinVar's aggregate classification.
Comment: The SPEG c.9371C>T variant is predicted to result in the amino acid substitution p.Thr3124Met. To our knowledge, this variant has not been reported in the literature. This variant is reported in 0.0033% of alleles in individuals of South Asian descent in gnomAD. At this time, the clinical significance of this variant is uncertain due to the absence of conclusive functional and genetic evidence.

NM_005876.5(SPEG):c.9371C>T (p.Thr3124Met)

Genes: ASIC4-AS1 (ASIC4 antisense RNA 1; minus strand), SPEG (striated muscle enriched protein kinase; plus strand). Cytogenetic location: 2q35.
Variant type: single nucleotide variant.
Coding change: c.9371C>T on transcript NM_005876.5 (MANE Select); coding-DNA position 9371, C replaced by T.
Protein change: p.Thr3124Met; replaces threonine 3124 with methionine.
Molecular consequence: missense variant.
Genome position (GRCh38, 1-based): chr2:219,490,942, C>T. VCF-style: chr2-219490942-C-T. GRCh37 (hg19) VCF-style: chr2-220355664-C-T.
Other names: short protein forms T3124M.
Identifiers: ClinVar variation 3346038 (VCV003346038.2).
Genomic context (GRCh38, chr2:219,490,942, plus strand): 5'-TTGGCAGTGCCCAGCCCTACAACCCCCAGGCCCTTAGGCCCCTTGGCCACCGCACGGGCA[C>T]GCTGGAGTTCATGGGTGAGGGGACCAGCTGCCAGCCAGGGTGGGGACAGGGCCCTGCCAG-3'
Protein context (NP_005867.3, residues 3114-3134): ALRPLGHRTG[Thr3124Met]LEFMAPEMVK